The following is an entry in ClinVar:

ClinVar aggregate classification (germline): Benign/Likely benign. Review status: criteria provided, multiple submitters, no conflicts (2 of 4 stars). 10 submissions from 10 submitters: Benign (7); Likely benign (3). Last evaluated 2026-06-08.

Conditions:
Cardiovascular phenotype. Identifiers: MedGen CN230736.
Ehlers-Danlos syndrome (EDS). Identifiers: Orphanet 98249, MedGen C0013720, MONDO:0020066.

Allele frequency attached by ClinVar (database versions not stated): gnomAD 0.00309; ESP Exome Variant Server 0.00421; 1000 Genomes Project 30x 0.00765; 1000 Genomes Project 0.00859.

Submissions (10):

Women's Health and Genetics/Laboratory Corporation of America, LabCorp
Classification: Likely benign. Last evaluated: 2026-06-08. Review status: criteria provided, single submitter. Criteria: LabCorp Variant Classification Summary - May 2015. Collection method: clinical testing. Allele origin: germline.

Labcorp Genetics (formerly Invitae), Labcorp
Classification: Benign. Last evaluated: 2026-02-04. Review status: criteria provided, single submitter. Criteria: Invitae Variant Classification Sherloc (09022015). Collection method: clinical testing. Allele origin: germline.

CeGaT Center for Human Genetics Tuebingen
Classification: Benign. Last evaluated: 2023-09-01. Review status: criteria provided, single submitter. Criteria: CeGaT Center For Human Genetics Tuebingen Variant Classification Criteria Version 2. Collection method: clinical testing. Allele origin: germline. Affected: yes. Observed: 4 variant alleles.
Comment: TNXB: BP4, BS1, BS2

Mayo Clinic Laboratories, Mayo Clinic
Classification: Benign. Last evaluated: 2023-08-29. Review status: criteria provided, single submitter. Criteria: ACMG Guidelines, 2015. Collection method: clinical testing. Allele origin: germline. Observed: 28 variant alleles.
Comment: BS1, BS2, BP4

Genome Diagnostics Laboratory, The Hospital for Sick Children
Classification: Benign for Ehlers-Danlos syndrome. Last evaluated: 2022-02-08. Review status: criteria provided, single submitter. Criteria: ACMG Guidelines, 2015. Collection method: clinical testing. Allele origin: germline.

GeneDx
Classification: Benign. Last evaluated: 2019-07-19. Review status: criteria provided, single submitter. Criteria: GeneDx Variant Classification Process June 2021. Collection method: clinical testing. Allele origin: germline. Affected: yes.

Ambry Genetics
Classification: Benign for Cardiovascular phenotype. Last evaluated: 2019-02-12. Review status: criteria provided, single submitter. Criteria: Ambry Variant Classification Scheme 2023. Collection method: clinical testing. Allele origin: germline.

Center for Pediatric Genomic Medicine, Children's Mercy Hospital and Clinics
Classification: Likely benign. Last evaluated: 2017-05-24. Review status: criteria provided, single submitter. Criteria: ACMG Guidelines, 2015. Collection method: clinical testing. Allele origin: germline.

Breakthrough Genomics
Classification: Likely benign. Review status: criteria provided, single submitter. Criteria: ACMG Guidelines, 2015. Collection method: not provided. Allele origin: germline. Inheritance: Autosomal recessive inheritance. Affected: yes.

PreventionGenetics, part of Exact Sciences
Classification: Benign. Review status: criteria provided, single submitter. Criteria: ACMG Guidelines, 2015. Collection method: clinical testing. Allele origin: germline.

NM_001365276.2(TNXB):c.6811G>C (p.Val2271Leu)

Gene: TNXB (tenascin XB; minus strand). Cytogenetic location: 6p21.33.
Variant type: single nucleotide variant.
Coding change: c.6811G>C on transcript NM_001365276.2 (MANE Select); coding-DNA position 6811, G replaced by C.
Protein change: p.Val2271Leu; replaces valine 2271 with leucine.
Molecular consequence: missense variant.
Genome position (GRCh38, 1-based): chr6:32,064,851, C>G on the plus strand (G>C on the coding strand, the complement: TNXB is on the minus strand). VCF-style: chr6-32064851-C-G. GRCh37 (hg19) VCF-style: chr6-32032628-C-G.
Other names: p.Val2271Leu; c.6811G>C, p.Val2271Leu (NM_019105.8); short protein forms V2271L.
Identifiers: ClinVar variation 261151 (VCV000261151.45), dbSNP rs140770834, ClinGen allele CA3734327.